The following is an entry in ClinVar:

ClinVar aggregate classification (germline): Benign. Review status: criteria provided, multiple submitters, no conflicts (2 of 4 stars). 5 submissions from 4 submitters: Benign (5). Last evaluated 2021-07-10.

Conditions:
Autosomal recessive nonsyndromic hearing loss 18A. Also called: DEAFNESS, AUTOSOMAL RECESSIVE 18; Deafness, autosomal recessive 18A. Identifiers: Orphanet 90636, MedGen C1865870, MONDO:0011192, OMIM 602092.
Usher syndrome type 1C. Also called: USHER SYNDROME, TYPE I, ACADIAN VARIETY. Identifiers: Orphanet 231169, Orphanet 886, MedGen C1848604, MONDO:0010171, OMIM 276904.

Allele frequency attached by ClinVar (database versions not stated): 1000 Genomes Project 0.02616; 1000 Genomes Project 30x 0.02842; TOPMed 0.04729; gnomAD 0.04923 and 0.04949; ESP Exome Variant Server 0.05344; gnomAD exomes 0.06659 and 0.13303; ExAC 0.13441.
gnomAD v4.1: 100,036 of 1,541,542 alleles (6.5%); highest among the groups gnomAD compares: Middle Eastern, 10%; 2,786 homozygotes.

Submissions (5):

Genome-Nilou Lab
Classification: Benign for Usher syndrome type 1C. Last evaluated: 2021-07-10. Review status: criteria provided, single submitter. Criteria: ACMG Guidelines, 2015. Collection method: clinical testing. Allele origin: germline. Affected: no.

Genome-Nilou Lab
Classification: Benign for Autosomal recessive nonsyndromic hearing loss 18A. Last evaluated: 2021-07-10. Review status: criteria provided, single submitter. Criteria: ACMG Guidelines, 2015. Collection method: clinical testing. Allele origin: germline. Affected: no.

GeneDx
Classification: Benign. Last evaluated: 2013-05-08. Review status: criteria provided, single submitter. Criteria: GeneDx Variant Classification (06012015). Collection method: clinical testing. Allele origin: germline. Affected: yes.
Comment: This variant is considered likely benign or benign based on one or more of the following criteria: it is a conservative change, it occurs at a poorly conserved position in the protein, it is predicted to be benign by multiple in silico algorithms, and/or has population frequency not consistent with disease.

Laboratory for Molecular Medicine, Mass General Brigham Personalized Medicine
Classification: Benign. Last evaluated: 2012-03-26. Review status: criteria provided, single submitter. Criteria: LMM Criteria. Collection method: clinical testing. Allele origin: germline. Observed: 10 variant alleles.
Comment: 2134-12T>C in intron 21 of USH1C: This variant is not expected to have clinical significance because it has been identified in 7.7% (524/7020) of European Ameri can chromosomes and 1.7% (62/3738) of African American chromosomes in a broad po pulation by the NHLBI Exome sequencing project (dbSNP rs76769358).

Breakthrough Genomics
Classification: Benign. Review status: criteria provided, single submitter. Criteria: ACMG Guidelines, 2015. Collection method: not provided. Allele origin: germline. Inheritance: Autosomal recessive inheritance. Affected: yes.

NM_153676.4(USH1C):c.2134-12T>C

Gene: USH1C (USH1 protein network component harmonin; minus strand). Cytogenetic location: 11p15.1.
Variant type: single nucleotide variant.
Coding change: c.2134-12T>C on transcript NM_153676.4 (MANE Select); 12 bases into the intron before coding-DNA position 2134, T replaced by C.
Molecular consequence: intron variant.
Genome position (GRCh38, 1-based): chr11:17,504,709, A>G on the plus strand (T>C on the coding strand, the complement: USH1C is on the minus strand). VCF-style: chr11-17504709-A-G. GRCh37 (hg19) VCF-style: chr11-17526256-A-G.
Other names: c.1228-2729T>C (NM_001297764.2); c.1285-2729T>C (NM_005709.4).
Identifiers: ClinVar variation 47989 (VCV000047989.9), dbSNP rs76769358, ClinGen allele CA142320.